The following is an entry in ClinVar:

NM_172107.2(KCNQ2):c.(?_-177)_690+?del

Genes: KCNQ2 (potassium voltage-gated channel subfamily Q member 2; minus strand), KCNQ2-AS1 (KCNQ2 antisense RNA 1; plus strand), LOC129391211 (MPRA-validated peak4316 silencer; plus strand). Cytogenetic location: 20q13.33.
Variant type: Deletion.
Identifiers: ClinVar variation 369739 (VCV000369739.2).

ClinVar aggregate classification (germline): not provided (0 of 4 stars; one submission).

Conditions:
Seizures, benign familial neonatal, 1. Also called: KCNQ2-Related Benign Familial Neonatal Epilepsy; Benign Neonatal Epilepsy 1; KCNQ2-Related Self-Limited Familial Neonatal Epilepsy (SLFNE); Seizures, benign neonatal, 1. Identifiers: Orphanet 1949, MedGen C3149074, MONDO:0007365, OMIM 121200.

Submission:

GeneReviews
No classification provided. Condition: Seizures, benign familial neonatal, 1. Review status: no classification provided. Collection method: literature only. Allele origin: germline. Affected: yes.
Comment: BFNE (benign familial neonatal epilepsy)

Literature cited by the submitters: PubMed 24375629; NCBI Bookshelf NBK32534.